The following is an entry in ClinVar:

NC_000016.10:g.(89770025_89770165)_(89792069_89792470)del

Gene: FANCA (FA complementation group A; minus strand). Cytogenetic location: 16q24.3.
Variant type: Deletion.
Identifiers: ClinVar variation 974003 (VCV000974003.1).

ClinVar aggregate classification (germline): Uncertain significance (0 of 4 stars; one submission).

Conditions:
Fanconi anemia complementation group A (FANCA). Also called: Fanconi anemia, group A; FANCA-Related Fanconi Anemia. Identifiers: Orphanet 84, MedGen C3469521, MONDO:0009215, OMIM 227650.

Submission:

Leiden Open Variation Database
Classification: Uncertain significance for Fanconi anemia complementation group A. Last evaluated: 2020-02-28. Review status: no assertion criteria provided. Collection method: curation. Allele origin: germline. Affected: yes.
Comment: Curator: Arleen D. Auerbach. Submitter to LOVD: Arleen D. Auerbach.